The following is an entry in ClinVar:

NM_005475.3(SH2B3):c.1022-10_1022-6del

Gene: SH2B3 (SH2B adaptor protein 3; plus strand). Cytogenetic location: 12q24.12.
Variant type: Deletion.
Coding change: c.1022-10_1022-6del on transcript NM_005475.3 (MANE Select); 10 bases into the intron before coding-DNA position 1022 through 6 bases into the intron before coding-DNA position 1022, 5 bases deleted (TATCT; older notation c.1022-10_1022-6delTATCT).
Molecular consequence: intron variant.
Genome position (GRCh38, 1-based): chr12:111,447,320-111,447,324, TATCT deleted; deleting any 5 consecutive bases within chr12:111,447,316-111,447,324 gives the same sequence; the c. name uses the placement nearest the transcript's 3' end. VCF-style (leftmost placement, unchanged base first): chr12-111447315-CATCTT-C. GRCh37 (hg19) VCF-style: chr12-111885119-CATCTT-C.
Other names: NC_000012.11:g.111885124_111885128del; c.416-10_416-6del (NM_001291424.1).
Identifiers: ClinVar variation 3045593 (VCV003045593.15), dbSNP rs548854518, ClinGen allele CA6789841.
Genomic context (GRCh38, chr12:111,447,315, plus strand): 5'-GTACGCTGGAACCCAGACTCAGCCCAGGACATAAGGTAGCCCCCTGCGACCACCATCACC[CATCTT>C]ATCTAACAGGTGCTTCTCCTGGGGGGCTGCTGGACCCGGCCTGCCAGAAGACGGACCATT-3'

ClinVar aggregate classification (germline): Likely benign. Review status: criteria provided, single submitter (1 of 4 stars). 2 submissions from 2 submitters: Likely benign (1). 1 of the submissions does not count toward it. Last evaluated 2025-01-01.

Conditions:
SH2B3-related disorder. Also called: SH2B3-related condition.

Submissions (3):

CeGaT Center for Human Genetics Tuebingen
Classification: Likely benign. Last evaluated: 2025-01-01. Review status: criteria provided, single submitter. Criteria: CeGaT Center For Human Genetics Tuebingen Variant Classification Criteria Version 2. Collection method: clinical testing. Allele origin: germline. Affected: yes. Observed: 1 variant allele.
Comment: SH2B3: BP4, BS2

PreventionGenetics, part of Exact Sciences
Classification: Likely benign for SH2B3-related condition. Last evaluated: 2024-01-24. Review status: no assertion criteria provided. Collection method: clinical testing. Allele origin: germline. Not counted in ClinVar's aggregate classification.
Comment: This variant is classified as likely benign based on ACMG/AMP sequence variant interpretation guidelines (Richards et al. 2015 PMID: 25741868, with internal and published modifications).

Dr. Peter K. Rogan Lab, Western University
No classification provided (evidence only). Condition: Familial cancer of breast. Review status: no classification provided. Collection method: in vitro. Allele origin: not applicable. Functional consequence: retained intron. Not counted in ClinVar's aggregate classification.